The following is an entry in ClinVar:

ClinVar aggregate classification (germline): Benign (1 of 4 stars; one submission).

Allele frequency attached by ClinVar (database versions not stated): gnomAD exomes 0.00212; gnomAD 0.02141 and 0.02283; TOPMed 0.02344; 1000 Genomes Project 0.02696; 1000 Genomes Project 30x 0.03076.
gnomAD v4.1: 5,962 of 1,362,940 alleles (0.44%); highest among the groups gnomAD compares: African/African-American, 7.5%; 219 homozygotes.

Submission:

GeneDx
Classification: Benign. Last evaluated: 2018-06-16. Review status: criteria provided, single submitter. Criteria: GeneDx Variant Classification (06012015). Collection method: clinical testing. Allele origin: germline. Affected: yes.
Comment: This variant is considered likely benign or benign based on one or more of the following criteria: it is a conservative change, it occurs at a poorly conserved position in the protein, it is predicted to be benign by multiple in silico algorithms, and/or has population frequency not consistent with disease.

NM_012208.4(HARS2):c.1315-104A>G

Gene: HARS2 (histidyl-tRNA synthetase 2, mitochondrial; plus strand). Cytogenetic location: 5q31.3.
Variant type: single nucleotide variant.
Coding change: c.1315-104A>G on transcript NM_012208.4 (MANE Select); 104 bases into the intron before coding-DNA position 1315, A replaced by G.
Molecular consequence: intron variant.
Genome position (GRCh38, 1-based): chr5:140,697,828, A>G. VCF-style: chr5-140697828-A-G. GRCh37 (hg19) VCF-style: chr5-140077413-A-G.
Other names: c.883-104A>G (NM_001278732.2); c.1333-104A>G (NM_001363535.2); c.1240-104A>G (NM_001278731.2); c.1105-104A>G (NM_001363536.2).
Identifiers: ClinVar variation 675595 (VCV000675595.1), dbSNP rs73273318, ClinGen allele CA16243584.